The following is an entry in ClinVar:

ClinVar aggregate classification (germline): Likely benign (0 of 4 stars; one submission).

Conditions:
PLXNA4-related disorder. Also called: PLXNA4-related condition.

Allele frequency attached by ClinVar (database versions not stated): gnomAD exomes below 0.00001; TOPMed below 0.00001; gnomAD 0.00001; ExAC 0.00002; 1000 Genomes Project 30x 0.00016; 1000 Genomes Project 0.00020.
gnomAD v4.1: 9 of 1,614,178 alleles (0.00056%); highest among the groups gnomAD compares: Admixed American, 0.0067%; no homozygotes.

Submission:

PreventionGenetics, part of Exact Sciences
Classification: Likely benign for PLXNA4-related condition. Last evaluated: 2021-10-06. Review status: no assertion criteria provided. Collection method: clinical testing. Allele origin: germline.
Comment: This variant is classified as likely benign based on ACMG/AMP sequence variant interpretation guidelines (Richards et al. 2015 PMID: 25741868, with internal and published modifications).

NM_020911.2(PLXNA4):c.126A>G (p.Thr42=)

Gene: PLXNA4 (plexin A4; minus strand). Cytogenetic location: 7q32.3.
Variant type: single nucleotide variant.
Coding change: c.126A>G on transcript NM_020911.2 (MANE Select); coding-DNA position 126, A replaced by G.
Protein change: p.Thr42=; no amino-acid change (threonine 42 retained).
Molecular consequence: synonymous variant.
Genome position (GRCh38, 1-based): chr7:132,508,568, T>C on the plus strand (A>G on the coding strand, the complement: PLXNA4 is on the minus strand). VCF-style: chr7-132508568-T-C. GRCh37 (hg19) VCF-style: chr7-132193327-T-C.
Other names: c.126A>G, p.Thr42= (NM_001105543.2, NM_001393897.1, NM_181775.4).
Identifiers: ClinVar variation 3032530 (VCV003032530.2), dbSNP rs188828350, ClinGen allele CA4490548.